The following is an entry in ClinVar:

ClinVar aggregate classification (germline): Uncertain significance (1 of 4 stars; one submission).

Conditions:
Hereditary cancer-predisposing syndrome. Also called: Neoplastic Syndromes, Hereditary; Tumor predisposition; Hereditary neoplastic syndrome; Hereditary Cancer Syndrome. Identifiers: Orphanet 140162, MedGen C0027672, MeSH D009386, MONDO:0015356.

gnomAD v4.1: 7 of 1,543,356 alleles (0.00045%); highest among the groups gnomAD compares: Non-Finnish European, 0.00052%; no homozygotes.

Submission:

Ambry Genetics
Classification: Uncertain significance for Hereditary cancer-predisposing syndrome. Last evaluated: 2025-03-26. Review status: criteria provided, single submitter. Criteria: Ambry Variant Classification Scheme 2023. Collection method: clinical testing. Allele origin: germline.
Comment: The p.T4K variant (also known as c.11C>A), located in coding exon 1 of the GREM1 gene, results from a C to A substitution at nucleotide position 11. The threonine at codon 4 is replaced by lysine, an amino acid with similar properties. This amino acid position is conserved. In addition, this alteration is predicted to be tolerated by in silico analysis. Based on the available evidence, the clinical significance of this variant remains unclear.

NM_013372.7(GREM1):c.11C>A (p.Thr4Lys)

Gene: GREM1 (gremlin 1, DAN family BMP antagonist; plus strand). Cytogenetic location: 15q13.3.
Variant type: single nucleotide variant.
Coding change: c.11C>A on transcript NM_013372.7 (MANE Select); coding-DNA position 11, C replaced by A.
Protein change: p.Thr4Lys; replaces threonine 4 with lysine.
Molecular consequence: missense variant.
Genome position (GRCh38, 1-based): chr15:32,730,701, C>A. VCF-style: chr15-32730701-C-A. GRCh37 (hg19) VCF-style: chr15-33022902-C-A.
Other names: c.11C>A, p.Thr4Lys (NM_001191322.2, NM_001191323.2, NM_001368719.1); short protein forms T4K.
Identifiers: ClinVar variation 4032194 (VCV004032194.1).